The following is an entry in ClinVar:

NM_017534.6(MYH2):c.3842C>T (p.Ala1281Val)

Genes: MYH2 (myosin heavy chain 2; minus strand), MYHAS (myosin heavy chain gene cluster antisense RNA; plus strand). Cytogenetic location: 17p13.1.
Variant type: single nucleotide variant.
Coding change: c.3842C>T on transcript NM_017534.6 (MANE Select); coding-DNA position 3842, C replaced by T.
Protein change: p.Ala1281Val; replaces alanine 1281 with valine.
Molecular consequence: missense variant.
Genome position (GRCh38, 1-based): chr17:10,527,777, G>A on the plus strand (C>T on the coding strand, the complement: MYH2 is on the minus strand). VCF-style: chr17-10527777-G-A. GRCh37 (hg19) VCF-style: chr17-10431094-G-A.
Other names: c.3842C>T, p.Ala1281Val (NM_001100112.2); short protein forms A1281V.
Identifiers: ClinVar variation 1029469 (VCV001029469.31), dbSNP rs756055649, ClinGen allele CA8390794.
Genomic context (GRCh38, chr17:10,527,777, plus strand): 5'-CCTGAAGCTGCACAGAAGAGGGGAGAGTTACCAGATTCAGTCTGCAGGCGCCCCCTCTGC[G>A]CAGTCAGGTCATTGATCAGCCGCTGCTGCTCCTCTTCCTTTGATTTCAGTTCACTCAGTT-3'
Protein context (NP_060004.3, residues 1271-1291): EQQRLINDLT[Ala1281Val]QRGRLQTESG

ClinVar aggregate classification (germline): Uncertain significance. Review status: criteria provided, multiple submitters, no conflicts (2 of 4 stars). 2 submissions from 2 submitters: Uncertain significance (2). Last evaluated 2022-09-01.

Conditions:
Myopathy, proximal, and ophthalmoplegia (CMYO6). Also called: INCLUSION BODY MYOPATHY 3, AUTOSOMAL DOMINANT; CONGENITAL MYOPATHY 6 WITH OPHTHALMOPLEGIA; MYOPATHY WITH CONGENITAL JOINT CONTRACTURES, OPHTHALMOPLEGIA, AND RIMMED VACUOLES. Identifiers: Orphanet 363677, Orphanet 79091, MedGen C1854106, MONDO:0011577, OMIM 605637.

Allele frequency attached by ClinVar (database versions not stated): gnomAD exomes below 0.00001 and 0.00001; ExAC 0.00001; gnomAD 0.00001.
gnomAD v4.1: 7 of 1,613,930 alleles (0.00043%); highest among the groups gnomAD compares: South Asian, 0.0011%; no homozygotes.

Submissions (2):

CeGaT Center for Human Genetics Tuebingen
Classification: Uncertain significance. Last evaluated: 2022-09-01. Review status: criteria provided, single submitter. Criteria: CeGaT Center For Human Genetics Tuebingen Variant Classification Criteria Version 2. Collection method: clinical testing. Allele origin: germline. Affected: yes. Observed: 1 variant allele.

Baylor Genetics
Classification: Uncertain significance for Myopathy, proximal, and ophthalmoplegia. Last evaluated: 2020-01-22. Review status: criteria provided, single submitter. Criteria: ACMG Guidelines, 2015. Collection method: clinical testing. Allele origin: unknown. Affected: yes.
Comment: This variant was determined to be of uncertain significance according to ACMG Guidelines, 2015 [PMID:25741868].